The following is an entry in ClinVar:

NM_000090.4(COL3A1):c.4338C>T (p.Pro1446=)

Gene: COL3A1 (collagen type III alpha 1 chain; plus strand). Cytogenetic location: 2q32.2.
Variant type: single nucleotide variant.
Coding change: c.4338C>T on transcript NM_000090.4 (MANE Select); coding-DNA position 4338, C replaced by T.
Protein change: p.Pro1446=; no amino-acid change (proline 1446 retained).
Molecular consequence: synonymous variant.
Genome position (GRCh38, 1-based): chr2:189,011,711, C>T. VCF-style: chr2-189011711-C-T. GRCh37 (hg19) VCF-style: chr2-189876437-C-T.
Other names: p.Pro1446=.
Identifiers: ClinVar variation 459793 (VCV000459793.21), dbSNP rs376207711, ClinGen allele CA62565005.

ClinVar aggregate classification (germline): Likely benign. Review status: criteria provided, multiple submitters, no conflicts (2 of 4 stars). 7 submissions from 7 submitters: Likely benign (6). 1 of the submissions does not count toward it. Last evaluated 2025-12-03.

Conditions:
COL3A1-related disorder. Also called: COL3A1-related condition.
Familial thoracic aortic aneurysm and aortic dissection (TAAD). Also called: Thoracic aortic aneurysms and dissections. Identifiers: Orphanet 91387, MedGen C4707243, MONDO:0019625.
Ehlers-Danlos syndrome, type 4 (EDSVASC). Also called: Ehlers-Danlos syndrome vascular type; Ehlers Danlos syndrome, ecchymotic type; Ehlers Danlos syndrome, arterial type; Ehlers Danlos syndrome, Sack-Barabas type; Ehlers-Danlos Syndrome Type IV. Identifiers: Orphanet 286, MedGen C0268338, MONDO:0017314, OMIM 130050.

Allele frequency attached by ClinVar (database versions not stated): gnomAD exomes below 0.00001 and 0.00001; gnomAD 0.00002 and 0.00003; TOPMed 0.00003; ESP Exome Variant Server 0.00008.
gnomAD v4.1: 12 of 1,613,868 alleles (0.00074%); highest among the groups gnomAD compares: Non-Finnish European, 0.001%; no homozygotes.

Submissions (7):

Labcorp Genetics (formerly Invitae), Labcorp
Classification: Likely benign for Ehlers-Danlos syndrome, type 4. Last evaluated: 2025-12-03. Review status: criteria provided, single submitter. Criteria: Invitae Variant Classification Sherloc (09022015). Collection method: clinical testing. Allele origin: germline.

Mayo Clinic Laboratories, Mayo Clinic
Classification: Likely benign. Last evaluated: 2025-08-25. Review status: criteria provided, single submitter. Criteria: ACMG Guidelines, 2015. Collection method: clinical testing. Allele origin: germline. Observed: 1 variant allele.
Comment: BS1, BP4, BP7

All of Us Research Program, National Institutes of Health
Classification: Likely benign for Ehlers-Danlos syndrome, type 4. Last evaluated: 2023-07-22. Review status: criteria provided, single submitter. Criteria: ACMG Guidelines, 2015. Collection method: clinical testing. Allele origin: germline. Inheritance: Autosomal dominant inheritance. Observed: 6 variant alleles, 6 heterozygotes.
Comment: This study involves interpretation of variants in research participants for the purpose of population health screening. Participant phenotype was not available at the time of variant classification. Additional details can be found in publication PMID: 35346344, PMCID: PMC8962531

Women's Health and Genetics/Laboratory Corporation of America, LabCorp
Classification: Likely benign. Last evaluated: 2021-10-17. Review status: criteria provided, single submitter. Criteria: LabCorp Variant Classification Summary - May 2015. Collection method: clinical testing. Allele origin: germline.

Ambry Genetics
Classification: Likely benign for Familial thoracic aortic aneurysm and aortic dissection. Last evaluated: 2020-11-02. Review status: criteria provided, single submitter. Criteria: Ambry Variant Classification Scheme 2023. Collection method: clinical testing. Allele origin: germline.

Color Diagnostics, LLC DBA Color Health
Classification: Likely benign for Familial thoracic aortic aneurysm and aortic dissection. Last evaluated: 2019-06-22. Review status: criteria provided, single submitter. Criteria: ACMG Guidelines, 2015. Collection method: clinical testing. Allele origin: germline.

PreventionGenetics, part of Exact Sciences
Classification: Likely benign for COL3A1-related condition. Last evaluated: 2023-05-10. Review status: no assertion criteria provided. Collection method: clinical testing. Allele origin: germline. Not counted in ClinVar's aggregate classification.
Comment: This variant is classified as likely benign based on ACMG/AMP sequence variant interpretation guidelines (Richards et al. 2015 PMID: 25741868, with internal and published modifications).